The following is an entry in ClinVar:

NM_000038.6(APC):c.4726G>C (p.Glu1576Gln)

Gene: APC (APC regulator of Wnt signaling pathway; plus strand). Cytogenetic location: 5q22.2.
Variant type: single nucleotide variant.
Coding change: c.4726G>C on transcript NM_000038.6 (MANE Select); coding-DNA position 4726, G replaced by C.
Protein change: p.Glu1576Gln; replaces glutamic acid 1576 with glutamine.
Molecular consequence: missense variant. On other transcripts: non-coding transcript variant (2).
Genome position (GRCh38, 1-based): chr5:112,840,320, G>C. VCF-style: chr5-112840320-G-C. GRCh37 (hg19) VCF-style: chr5-112176017-G-C.
Other names: c.4726G>C, p.Glu1576Gln (NM_001127510.3, NM_001354895.2, NM_001407450.1); c.4672G>C, p.Glu1558Gln (NM_001127511.3); c.4780G>C, p.Glu1594Gln (NM_001354896.2, NM_001407447.1, NM_001407448.1 and 1 more transcripts); c.4756G>C, p.Glu1586Gln (NM_001354897.2); c.4651G>C, p.Glu1551Gln (NM_001354898.2); c.4642G>C, p.Glu1548Gln (NM_001354899.2); c.4603G>C, p.Glu1535Gln (NM_001354900.2); c.4549G>C, p.Glu1517Gln (NM_001354901.2, NM_001407453.1); and 12 more; short protein forms E1192Q, E1293Q, E1586Q, E1604Q, E1416Q, E1447Q, E1450Q, E1475Q.
Identifiers: ClinVar variation 2739087 (VCV002739087.4), dbSNP rs1554086134, ClinGen allele CA16031695.
Genomic context (GRCh38, chr5:112,840,320, plus strand): 5'-ACTATTGATTCTGAAAAGGACCTATTAGATGATTCAGATGATGATGATATTGAAATACTA[G>C]AAGAATGTATTATTTCTGCCATGCCAACAAAGTCATCACGTAAAGCAAAAAAGCCAGCCC-3'
Protein context (NP_000029.2, residues 1566-1586): DSDDDDIEIL[Glu1576Gln]ECIISAMPTK

ClinVar aggregate classification (germline): Uncertain significance. Review status: criteria provided, multiple submitters, no conflicts (2 of 4 stars). 2 submissions from 2 submitters: Uncertain significance (2). Last evaluated 2025-02-05.

Conditions:
Familial adenomatous polyposis 1 (FAP1). Also called: FAMILIAL ADENOMATOUS POLYPOSIS 1, ATTENUATED; POLYPOSIS, ADENOMATOUS INTESTINAL. Identifiers: MedGen C2713442, MONDO:0021056, OMIM 175100. Disease mechanism: loss of function.
Hereditary cancer-predisposing syndrome. Also called: Hereditary Cancer Syndrome; Neoplastic Syndromes, Hereditary; Hereditary neoplastic syndrome; Tumor predisposition. Identifiers: Orphanet 140162, MedGen C0027672, MeSH D009386, MONDO:0015356.

Submissions (2):

Ambry Genetics
Classification: Uncertain significance for Hereditary cancer-predisposing syndrome. Last evaluated: 2025-02-05. Review status: criteria provided, single submitter. Criteria: Ambry Variant Classification Scheme 2023. Collection method: clinical testing. Allele origin: germline.
Comment: The p.E1576Q variant (also known as c.4726G>C), located in coding exon 15 of the APC gene, results from a G to C substitution at nucleotide position 4726. The glutamic acid at codon 1576 is replaced by glutamine, an amino acid with highly similar properties. This amino acid position is conserved. In addition, in silico predictors for this gene do not accurately predict pathogenicity. Based on the available evidence, the clinical significance of this variant remains unclear.

Labcorp Genetics (formerly Invitae), Labcorp
Classification: Uncertain significance for Familial adenomatous polyposis 1. Last evaluated: 2023-07-08. Review status: criteria provided, single submitter. Criteria: Invitae Variant Classification Sherloc (09022015). Collection method: clinical testing. Allele origin: germline.
Comment: Advanced modeling of protein sequence and biophysical properties (such as structural, functional, and spatial information, amino acid conservation, physicochemical variation, residue mobility, and thermodynamic stability) performed at Invitae indicates that this missense variant is not expected to disrupt APC protein function. In summary, the available evidence is currently insufficient to determine the role of this variant in disease. Therefore, it has been classified as a Variant of Uncertain Significance. This variant has not been reported in the literature in individuals affected with APC-related conditions. This sequence change replaces glutamic acid, which is acidic and polar, with glutamine, which is neutral and polar, at codon 1576 of the APC protein (p.Glu1576Gln). This variant is not present in population databases (gnomAD no frequency).